The following is an entry in ClinVar:

NM_001005242.3(PKP2):c.1394T>C (p.Leu465Ser)

Gene: PKP2 (plakophilin 2; minus strand). Cytogenetic location: 12p11.21.
Variant type: single nucleotide variant.
Coding change: c.1394T>C on transcript NM_001005242.3 (MANE Select); coding-DNA position 1394, T replaced by C.
Protein change: p.Leu465Ser; replaces leucine 465 with serine.
Molecular consequence: missense variant.
Genome position (GRCh38, 1-based): chr12:32,841,190, A>G on the plus strand (T>C on the coding strand, the complement: PKP2 is on the minus strand). VCF-style: chr12-32841190-A-G. GRCh37 (hg19) VCF-style: chr12-32994124-A-G.
Other names: c.1526T>C, p.Leu509Ser (NM_004572.4); short protein forms L509S, L465S.
Identifiers: ClinVar variation 626801 (VCV000626801.23), dbSNP rs374163198, ClinGen allele CA235249211.
Genomic context (GRCh38, chr12:32,841,190, plus strand): 5'-TCCGTCAGCGTAAGCAATGCTTCTGTTATCATGAGATTCTTGAGTTTGTCATTAGATGAC[A>G]AATTCCACAGCAAACCTAGAAAAGCACAGAGTTACCATGAAAACAGTGCAGGGTGGGACC-3'
Protein context (NP_001005242.2, residues 455-475): KKQITGLLWN[Leu465Ser]SSNDKLKNLM

ClinVar aggregate classification (germline): Uncertain significance. Review status: criteria provided, multiple submitters, no conflicts (2 of 4 stars). 7 submissions from 7 submitters: Uncertain significance (7). Last evaluated 2025-02-12.

Conditions:
Cardiovascular phenotype. Identifiers: MedGen CN230736.
Arrhythmogenic right ventricular cardiomyopathy (ARVD). Also called: Arrhythmogenic cardiomyopathy; Cardiomyopathy, ARVC; Arrhythmogenic right ventricular dysplasia; Arrhythmogenic Right Ventricular Cardiomyopathy (ARVC). Identifiers: Orphanet 247, MedGen C0349788, MeSH D019571, MONDO:0016587. Disease mechanism: loss of function. Inheritance: Various modes of inheritance.
Arrhythmogenic right ventricular dysplasia 9 (ARVD9). Also called: Arrhythmogenic Right Ventricular Dysplasia/Cardiomyopathy 9; ARRHYTHMOGENIC RIGHT VENTRICULAR DYSPLASIA, FAMILIAL, 9. Identifiers: MedGen C1836906, MONDO:0012180, OMIM 609040.
Cardiomyopathy (CMYO). Also called: Cardiomyopathies. Identifiers: Orphanet 167848, MedGen C0878544, MONDO:0004994, HP:0001638. Inheritance: Various modes of inheritance.

Allele frequency attached by ClinVar (database versions not stated): gnomAD exomes below 0.00001; gnomAD 0.00001; TOPMed 0.00001; ESP Exome Variant Server 0.00008.
gnomAD v4.1: 6 of 1,613,352 alleles (0.00037%); highest among the groups gnomAD compares: Non-Finnish European, 0.00051%; no homozygotes.

Submissions (7):

Labcorp Genetics (formerly Invitae), Labcorp
Classification: Uncertain significance for Arrhythmogenic right ventricular dysplasia 9. Last evaluated: 2025-02-12. Review status: criteria provided, single submitter. Criteria: Invitae Variant Classification Sherloc (09022015). Collection method: clinical testing. Allele origin: germline.
Comment: This sequence change replaces leucine, which is neutral and non-polar, with serine, which is neutral and polar, at codon 509 of the PKP2 protein (p.Leu509Ser). This variant is present in population databases (rs374163198, gnomAD 0.0009%). This variant has not been reported in the literature in individuals affected with PKP2-related conditions. ClinVar contains an entry for this variant (Variation ID: 626801). An algorithm developed to predict the effect of missense changes on protein structure and function (PolyPhen-2) suggests that this variant is likely to be disruptive. In summary, the available evidence is currently insufficient to determine the role of this variant in disease. Therefore, it has been classified as a Variant of Uncertain Significance.

GeneDx
Classification: Uncertain significance. Last evaluated: 2024-07-09. Review status: criteria provided, single submitter. Criteria: GeneDx Variant Classification Process June 2021. Collection method: clinical testing. Allele origin: germline. Affected: yes.
Comment: Not observed at significant frequency in large population cohorts (gnomAD); In silico analysis supports that this missense variant has a deleterious effect on protein structure/function; Has not been previously published as pathogenic or benign to our knowledge

Ambry Genetics
Classification: Uncertain significance for Cardiovascular phenotype. Last evaluated: 2024-03-29. Review status: criteria provided, single submitter. Criteria: Ambry Variant Classification Scheme 2023. Collection method: clinical testing. Allele origin: germline.
Comment: The p.L509S variant (also known as c.1526T>C), located in coding exon 7 of the PKP2 gene, results from a T to C substitution at nucleotide position 1526. The leucine at codon 509 is replaced by serine, an amino acid with dissimilar properties. This amino acid position is conserved. In addition, this alteration is predicted to be deleterious by in silico analysis. Since supporting evidence is limited at this time, the clinical significance of this alteration remains unclear.

Color Diagnostics, LLC DBA Color Health
Classification: Uncertain significance for Cardiomyopathy. Last evaluated: 2024-03-06. Review status: criteria provided, single submitter. Criteria: ACMG Guidelines, 2015. Collection method: clinical testing. Allele origin: germline.
Comment: This missense variant replaces leucine with serine at codon 509 of the PKP2 protein. Computational prediction suggests that this variant may have deleterious impact on protein structure and function (internally defined REVEL score threshold >= 0.7, PMID: 27666373). To our knowledge, functional studies have not been reported for this variant. This variant has not been reported in individuals affected with PKP2-related disorders in the literature. This variant has been identified in 1/250546 chromosomes in the general population by the Genome Aggregation Database (gnomAD). The available evidence is insufficient to determine the role of this variant in disease conclusively. Therefore, this variant is classified as a Variant of Uncertain Significance.

All of Us Research Program, National Institutes of Health
Classification: Uncertain significance for Arrhythmogenic right ventricular cardiomyopathy. Last evaluated: 2023-12-01. Review status: criteria provided, single submitter. Criteria: ACMG Guidelines, 2015. Collection method: clinical testing. Allele origin: germline. Inheritance: Autosomal dominant inheritance. Observed: 5 variant alleles, 5 heterozygotes.
Comment: This missense variant replaces leucine with serine at codon 509 of the PKP2 protein. Computational prediction tools and conservation analyses suggest that this variant may have deleterious impact on the protein function. Computational splicing tools suggest that this variant may not impact RNA splicing. To our knowledge, functional assays have not been performed for this variant nor has this variant been reported in individuals affected with cardiovascular disorders in the literature. This variant has been identified in 1/250546 chromosomes in the general population by the Genome Aggregation Database (gnomAD). Available evidence is insufficient to determine the role of this variant in disease conclusively. Therefore, this variant is classified as a Variant of Uncertain Significance.

This study involves interpretation of variants in research participants for the purpose of population health screening. Participant phenotype was not available at the time of variant classification. Additional details can be found in publication PMID: 35346344, PMCID: PMC8962531

Fulgent Genetics
Classification: Uncertain significance for Arrhythmogenic right ventricular dysplasia 9. Last evaluated: 2021-09-01. Review status: criteria provided, single submitter. Criteria: ACMG Guidelines, 2015. Collection method: clinical testing. Allele origin: unknown.

CHEO Genetics Diagnostic Laboratory, Children's Hospital of Eastern Ontario
Classification: Uncertain significance for Cardiomyopathy. Last evaluated: 2018-09-12. Review status: criteria provided, single submitter. Criteria: ACMG Guidelines, 2015. Collection method: clinical testing. Allele origin: germline.